The following is an entry in ClinVar:

NM_000270.4(PNP):c.*213C>G

Gene: PNP (purine nucleoside phosphorylase; plus strand). Cytogenetic location: 14q11.2.
Variant type: single nucleotide variant.
Coding change: c.*213C>G on transcript NM_000270.4 (MANE Select); 213 bases downstream of the stop codon, C replaced by G.
Molecular consequence: 3 prime UTR variant.
Genome position (GRCh38, 1-based): chr14:20,476,814, C>G. VCF-style: chr14-20476814-C-G. GRCh37 (hg19) VCF-style: chr14-20944973-C-G.
Identifiers: ClinVar variation 312737 (VCV000312737.5), dbSNP rs151283499, ClinGen allele CA10644965.

ClinVar aggregate classification (germline): Likely benign (1 of 4 stars; one submission).

Conditions:
Purine-nucleoside phosphorylase deficiency. Also called: NUCLEOSIDE PHOSPHORYLASE DEFICIENCY; Immunodeficiency due to purine nucleoside phosphorylase deficiency. Identifiers: Orphanet 760, MedGen C0268125, MONDO:0013171, OMIM 613179.

Allele frequency attached by ClinVar (database versions not stated): 1000 Genomes Project 0.00399; gnomAD 0.00413 and 0.00444; TOPMed 0.00448; 1000 Genomes Project 30x 0.00468.
gnomAD v4.1: 919 of 593,062 alleles (0.15%); highest among the groups gnomAD compares: African/African-American, 1.4%; 3 homozygotes.

Submission:

Illumina Laboratory Services, Illumina
Classification: Likely benign for Purine-nucleoside phosphorylase deficiency. Last evaluated: 2018-01-12. Review status: criteria provided, single submitter. Criteria: ICSL Variant Classification Criteria 13 December 2019. Collection method: clinical testing. Allele origin: germline.
Comment: This variant was observed in the ICSL laboratory as part of a predisposition screen in an ostensibly healthy population. It had not been previously curated by ICSL or reported in the Human Gene Mutation Database (HGMD: prior to June 1st, 2018), and was therefore a candidate for classification through an automated scoring system. Utilizing variant allele frequency, disease prevalence and penetrance estimates, and inheritance mode, an automated score was calculated to assess if this variant is too frequent to cause the disease. Based on the score and internal cut-off values, a variant classified as likely benign is not then subjected to further curation. The score for this variant resulted in a classification of likely benign for this disease.